The following is an entry in ClinVar:

NM_000548.5(TSC2):c.4990-10G>C

Gene: TSC2 (TSC complex subunit 2; plus strand). Cytogenetic location: 16p13.3.
Variant type: single nucleotide variant.
Coding change: c.4990-10G>C on transcript NM_000548.5 (MANE Select); 10 bases into the intron before coding-DNA position 4990, G replaced by C.
Molecular consequence: intron variant.
Genome position (GRCh38, 1-based): chr16:2,087,853, G>C. VCF-style: chr16-2087853-G-C. GRCh37 (hg19) VCF-style: chr16-2137854-G-C.
Other names: c.4921-10G>C (NM_001114382.3); c.4861-10G>C (NM_021055.3, NM_001370405.1); c.4792-10G>C (NM_001363528.2); c.4858-10G>C (NM_001370404.1); c.4789-10G>C (NM_001077183.3); c.4681-10G>C (NM_001318827.2); c.4258-10G>C (NM_001318831.2); c.4645-10G>C (NM_001318829.2); and 1 more.
Identifiers: ClinVar variation 1103994 (VCV001103994.10), dbSNP rs751012275, ClinGen allele CA053271.

ClinVar aggregate classification (germline): Likely benign. Review status: criteria provided, multiple submitters, no conflicts (2 of 4 stars). 2 submissions from 2 submitters: Likely benign (2). Last evaluated 2025-06-05.

Conditions:
Tuberous sclerosis 2 (TSC2). Identifiers: Orphanet 805, MedGen C1860707, MONDO:0013199, OMIM 613254.

Allele frequency attached by ClinVar (database versions not stated): TOPMed below 0.00001; gnomAD 0.00001.
gnomAD v4.1: 2 of 1,612,320 alleles (0.00012%); highest among the groups gnomAD compares: South Asian, 0.0011%; no homozygotes.

Submissions (2):

Myriad Genetics, Inc.
Classification: Likely benign for Tuberous sclerosis 2. Last evaluated: 2025-06-05. Review status: criteria provided, single submitter. Criteria: Myriad Autosomal Dominant, Autosomal Recessive and X-Linked Classification Criteria (2023). Collection method: clinical testing. Allele origin: unknown.
Comment: This variant is considered likely benign. This variant is intronic and is not expected to impact mRNA splicing.

Labcorp Genetics (formerly Invitae), Labcorp
Classification: Likely benign for Tuberous sclerosis 2. Last evaluated: 2024-05-18. Review status: criteria provided, single submitter. Criteria: Invitae Variant Classification Sherloc (09022015). Collection method: clinical testing. Allele origin: germline.